The following is an entry in ClinVar:

ClinVar aggregate classification (germline): Uncertain significance (1 of 4 stars; one submission).

Submission:

Labcorp Genetics (formerly Invitae), Labcorp
Classification: Uncertain significance. Last evaluated: 2021-05-16. Review status: criteria provided, single submitter. Criteria: Invitae Variant Classification Sherloc (09022015). Collection method: clinical testing. Allele origin: germline.
Comment: This sequence change replaces serine with tryptophan at codon 90 of the SLC45A2 protein (p.Ser90Trp). The serine residue is highly conserved and there is a large physicochemical difference between serine and tryptophan. This variant is not present in population databases (ExAC no frequency). This variant has not been reported in the literature in individuals with SLC45A2-related conditions. Algorithms developed to predict the effect of missense changes on protein structure and function are either unavailable or do not agree on the potential impact of this missense change (SIFT: "Deleterious"; PolyPhen-2: "Probably Damaging"; Align-GVGD: "Class C15"). In summary, the available evidence is currently insufficient to determine the role of this variant in disease. Therefore, it has been classified as a Variant of Uncertain Significance.

NM_016180.5(SLC45A2):c.269C>G (p.Ser90Trp)

Gene: SLC45A2 (solute carrier family 45 member 2; minus strand). Cytogenetic location: 5p13.2.
Variant type: single nucleotide variant.
Coding change: c.269C>G on transcript NM_016180.5 (MANE Select); coding-DNA position 269, C replaced by G.
Protein change: p.Ser90Trp; replaces serine 90 with tryptophan.
Molecular consequence: missense variant.
Genome position (GRCh38, 1-based): chr5:33,984,315, G>C on the plus strand (C>G on the coding strand, the complement: SLC45A2 is on the minus strand). VCF-style: chr5-33984315-G-C. GRCh37 (hg19) VCF-style: chr5-33984420-G-C.
Other names: c.269C>G, p.Ser90Trp (NM_001012509.4, NM_001297417.4); short protein forms S90W.
Identifiers: ClinVar variation 1382382 (VCV001382382.8), dbSNP rs952902764, ClinGen allele CA359397473.